The following is an entry in ClinVar:

ClinVar aggregate classification (germline): Likely benign (0 of 4 stars; one submission).

Conditions:
PLXNA4-related disorder. Also called: PLXNA4-related condition.

Allele frequency attached by ClinVar (database versions not stated): gnomAD 0.00001.
gnomAD v4.1: 26 of 1,613,848 alleles (0.0016%); highest among the groups gnomAD compares: Middle Eastern, 0.016%; no homozygotes.

Submission:

PreventionGenetics, part of Exact Sciences
Classification: Likely benign for PLXNA4-related condition. Last evaluated: 2022-03-07. Review status: no assertion criteria provided. Collection method: clinical testing. Allele origin: germline.
Comment: This variant is classified as likely benign based on ACMG/AMP sequence variant interpretation guidelines (Richards et al. 2015 PMID: 25741868, with internal and published modifications).

NM_020911.2(PLXNA4):c.3882C>T (p.Ala1294=)

Gene: PLXNA4 (plexin A4; minus strand). Cytogenetic location: 7q32.3.
Variant type: single nucleotide variant.
Coding change: c.3882C>T on transcript NM_020911.2 (MANE Select); coding-DNA position 3882, C replaced by T.
Protein change: p.Ala1294=; no amino-acid change (alanine 1294 retained).
Molecular consequence: synonymous variant.
Genome position (GRCh38, 1-based): chr7:132,174,913, G>A on the plus strand (C>T on the coding strand, the complement: PLXNA4 is on the minus strand). VCF-style: chr7-132174913-G-A. GRCh37 (hg19) VCF-style: chr7-131859672-G-A.
Other names: c.3882C>T, p.Ala1294= (NM_001393897.1).
Identifiers: ClinVar variation 3054099 (VCV003054099.2), dbSNP rs765580691, ClinGen allele CA166975661.